The following is an entry in ClinVar:

ClinVar aggregate classification (germline): Likely pathogenic (1 of 4 stars; one submission).

Conditions:
Intellectual developmental disorder 62. Also called: INTELLECTUAL DEVELOPMENTAL DISORDER, AUTOSOMAL DOMINANT 62; MENTAL RETARDATION, AUTOSOMAL DOMINANT 62. Identifiers: MedGen C5394083, MONDO:0032919, OMIM 618793.

Submission:

Clinical Genomics Laboratory, Washington University in St. Louis
Classification: Likely pathogenic for Intellectual developmental disorder 62. Last evaluated: 2024-04-04. Review status: criteria provided, single submitter. Criteria: ACMG Guidelines, 2015. Collection method: clinical testing. Allele origin: germline. Affected: yes.
Comment: The DLG4 c.1947del (p.Phe649Leufs*11) variant, to our knowledge, has not been reported in the medical literature and is absent from the general population (gnomAD v.2.1.1), indicating it is not a common variant. This variant causes a frameshift by deleting a single nucleotide, leading to a premature termination codon, which is predicted to lead to nonsense mediated decay. Additionally, another variant that introduces a premature termination codon occurring C-terminal to this variant has been described in an affected individual and is considered pathogenic. Based on available information and the ACMG/AMP guidelines for variant interpretation (Richards S et al., PMID: 25741868), this variant is classified as likely pathogenic.

NM_001321075.3(DLG4):c.1947del (p.Phe649fs)

Gene: DLG4 (discs large MAGUK scaffold protein 4; minus strand). Cytogenetic location: 17p13.1.
Variant type: Deletion.
Coding change: c.1947del on transcript NM_001321075.3 (MANE Select); coding-DNA position 1947, one base deleted (C; older notation c.1947delC).
Protein change: p.Phe649fs; shifts the reading frame from phenylalanine 649.
Molecular consequence: frameshift variant.
Genome position (GRCh38, 1-based): chr17:7,191,922, G deleted on the plus strand (C on the coding strand, the reverse complement: DLG4 is on the minus strand). VCF-style (leftmost placement, unchanged base first): chr17-7191921-TG-T. GRCh37 (hg19) VCF-style: chr17-7095240-TG-T.
Other names: c.1938del, p.Phe646fs (NM_001128827.4); c.2067del, p.Phe689fs (NM_001321074.1); c.1767del, p.Phe589fs (NM_001321076.3, NM_001321077.3); c.2076del, p.Phe692fs (NM_001365.5); c.1866del, p.Phe622fs (NM_001369566.3); short protein forms F589fs, F622fs, F646fs, F649fs, F689fs, F692fs.
Identifiers: ClinVar variation 3236563 (VCV003236563.2), dbSNP rs2507910150, ClinGen allele CA2825002554.